The following is an entry in ClinVar:

ClinVar aggregate classification (germline): Benign/Likely benign. Review status: criteria provided, single submitter (1 of 4 stars). 2 submissions from 1 submitter: Benign (1); Likely benign (1). Last evaluated 2018-01-13.

Conditions:
Susceptibility to mononeuropathy of the median nerve, mild. Also called: CARPAL TUNNEL SYNDROME, SUSCEPTIBILITY TO. Identifiers: MedGen C3150596, MONDO:0013237, OMIM 613353.
Charcot-Marie-Tooth disease type 4C (CMT4C). Also called: CHARCOT-MARIE-TOOTH DISEASE, DEMYELINATING, AUTOSOMAL RECESSIVE, TYPE 4C; CMT 4C; Charcot-Marie-Tooth Neuropathy Type 4C (CMT4C); CHARCOT-MARIE-TOOTH DISEASE, DEMYELINATING, TYPE 4C; SH3TC2-Related Hereditary Motor and Sensory Neuropathy. Identifiers: Orphanet 99949, MedGen C1866636, MONDO:0011113, OMIM 601596.

Allele frequency attached by ClinVar (database versions not stated): TOPMed 0.00307; gnomAD 0.00322; 1000 Genomes Project 0.00399; 1000 Genomes Project 30x 0.00453.

Submissions (2):

Illumina Laboratory Services, Illumina
Classification: Benign for Susceptibility to mononeuropathy of the median nerve, mild. Last evaluated: 2018-01-13. Review status: criteria provided, single submitter. Criteria: ICSL Variant Classification Criteria 13 December 2019. Collection method: clinical testing. Allele origin: germline.
Comment: This variant was observed in the ICSL laboratory as part of a predisposition screen in an ostensibly healthy population. It had not been previously curated by ICSL or reported in the Human Gene Mutation Database (HGMD: prior to June 1st, 2018), and was therefore a candidate for classification through an automated scoring system. Utilizing variant allele frequency, disease prevalence and penetrance estimates, and inheritance mode, an automated score was calculated to assess if this variant is too frequent to cause the disease. Based on the score and internal cut-off values, a variant classified as benign is not then subjected to further curation. The score for this variant resulted in a classification of benign for this disease.

Illumina Laboratory Services, Illumina
Classification: Likely benign for Charcot-Marie-Tooth disease type 4C. Last evaluated: 2018-01-13. Review status: criteria provided, single submitter. Criteria: ICSL Variant Classification Criteria 13 December 2019. Collection method: clinical testing. Allele origin: germline.
Comment: This variant was observed in the ICSL laboratory as part of a predisposition screen in an ostensibly healthy population. It had not been previously curated by ICSL or reported in the Human Gene Mutation Database (HGMD: prior to June 1st, 2018), and was therefore a candidate for classification through an automated scoring system. Utilizing variant allele frequency, disease prevalence and penetrance estimates, and inheritance mode, an automated score was calculated to assess if this variant is too frequent to cause the disease. Based on the score and internal cut-off values, a variant classified as likely benign is not then subjected to further curation. The score for this variant resulted in a classification of likely benign for this disease.

NM_024577.4(SH3TC2):c.*3079G>A

Gene: SH3TC2 (SH3 domain and tetratricopeptide repeats 2; minus strand). Cytogenetic location: 5q32.
Variant type: single nucleotide variant.
Coding change: c.*3079G>A on transcript NM_024577.4 (MANE Select); 3079 bases downstream of the stop codon, G replaced by A.
Molecular consequence: 3 prime UTR variant.
Genome position (GRCh38, 1-based): chr5:149,001,632, C>T on the plus strand (G>A on the coding strand, the complement: SH3TC2 is on the minus strand). VCF-style: chr5-149001632-C-T. GRCh37 (hg19) VCF-style: chr5-148381195-C-T.
Identifiers: ClinVar variation 351842 (VCV000351842.5), dbSNP rs185297430, ClinGen allele CA10623315.